The following is an entry in ClinVar:

NM_153460.4(IL17RC):c.823G>A (p.Val275Met)

Gene: IL17RC (interleukin 17 receptor C; plus strand). Cytogenetic location: 3p25.3.
Variant type: single nucleotide variant.
Coding change: c.823G>A on transcript NM_153460.4 (MANE Select); coding-DNA position 823, G replaced by A.
Protein change: p.Val275Met; replaces valine 275 with methionine.
Molecular consequence: missense variant. On other transcripts: non-coding transcript variant (1).
Genome position (GRCh38, 1-based): chr3:9,928,166, G>A. VCF-style: chr3-9928166-G-A. GRCh37 (hg19) VCF-style: chr3-9969850-G-A.
Other names: c.823G>A, p.Val275Met (NM_001203263.2, NM_001203264.2); c.778G>A, p.Val260Met (NM_001203265.2, NM_001367280.1, NM_032732.6); c.784G>A, p.Val262Met (NM_001367278.1); c.703G>A, p.Val235Met (NM_001367279.1); c.1036G>A, p.Val346Met (NM_153461.4); short protein forms V235M, V262M, V275M, V346M, V260M.
Identifiers: ClinVar variation 849815 (VCV000849815.10), dbSNP rs200405939, ClinGen allele CA2247012.
Genomic context (GRCh38, chr3:9,928,166, plus strand): 5'-GCAGAGGGCCAGGCACATGCCCATGGAGGGGACCTGAGCAGACCCCCATTTCCTTTCCAG[G>A]TGTGGCCTCTGGAACCTGACTCCGTTAGGACGAACATCTGCCCCTTCAGGGAGGGTGAGC-3'
Protein context (NP_703190.2, residues 265-285): TDLVPCLCIQ[Val275Met]WPLEPDSVRT

ClinVar aggregate classification (germline): Uncertain significance. Review status: criteria provided, multiple submitters, no conflicts (2 of 4 stars). 3 submissions from 3 submitters: Uncertain significance (3). Last evaluated 2026-01-02.

Conditions:
Candidiasis, familial, 9 (CANDF9). Identifiers: Orphanet 1334, MedGen C4225324, MONDO:0014642, OMIM 616445.

Allele frequency attached by ClinVar (database versions not stated): ExAC 0.00012; gnomAD exomes 0.00012 and 0.00023; gnomAD 0.00014; TOPMed 0.00015; 1000 Genomes Project 30x 0.00016; 1000 Genomes Project 0.00020; ESP Exome Variant Server 0.00023.
gnomAD v4.1: 355 of 1,614,078 alleles (0.022%); highest among the groups gnomAD compares: Non-Finnish European, 0.029%; no homozygotes.

Submissions (3):

Labcorp Genetics (formerly Invitae), Labcorp
Classification: Uncertain significance for Candidiasis, familial, 9. Last evaluated: 2026-01-02. Review status: criteria provided, single submitter. Criteria: Invitae Variant Classification Sherloc (09022015). Collection method: clinical testing. Allele origin: germline.
Comment: This sequence change replaces valine, which is neutral and non-polar, with methionine, which is neutral and non-polar, at codon 346 of the IL17RC protein (p.Val346Met). This variant is present in population databases (rs200405939, gnomAD 0.02%). This variant has not been reported in the literature in individuals affected with IL17RC-related conditions. ClinVar contains an entry for this variant (Variation ID: 849815). An algorithm developed to predict the effect of missense changes on protein structure and function outputs the following: PolyPhen-2: "Benign". The methionine amino acid residue is found in multiple mammalian species, which suggests that this missense change does not adversely affect protein function. In summary, the available evidence is currently insufficient to determine the role of this variant in disease. Therefore, it has been classified as a Variant of Uncertain Significance.

Ambry Genetics
Classification: Uncertain significance. Last evaluated: 2025-10-18. Review status: criteria provided, single submitter. Criteria: Ambry Variant Classification Scheme 2023. Collection method: clinical testing. Allele origin: germline.

Breakthrough Genomics
Classification: Uncertain significance. Review status: criteria provided, single submitter. Criteria: ACMG Guidelines, 2015. Collection method: not provided. Allele origin: germline. Inheritance: Autosomal recessive inheritance. Affected: yes.